The following is an entry in ClinVar:

NM_001385875.1(ZFYVE27):c.787G>A (p.Ala263Thr)

Gene: ZFYVE27 (zinc finger FYVE-type containing 27; plus strand). Cytogenetic location: 10q24.2.
Variant type: single nucleotide variant.
Coding change: c.787G>A on transcript NM_001385875.1 (MANE Select); coding-DNA position 787, G replaced by A.
Protein change: p.Ala263Thr; replaces alanine 263 with threonine.
Molecular consequence: missense variant. On other transcripts: non-coding transcript variant (16).
Genome position (GRCh38, 1-based): chr10:97,750,453, G>A. VCF-style: chr10-97750453-G-A. GRCh37 (hg19) VCF-style: chr10-99510210-G-A.
Other names: c.787G>A, p.Ala263Thr (NM_001002261.4, NM_001002262.4, NM_001385884.1 and 8 more transcripts); c.691G>A, p.Ala231Thr (NM_001174119.2, NM_001385885.1, NM_001385886.1 and 3 more transcripts); c.529G>A, p.Ala177Thr (NM_001174120.2, NM_001385906.1, NM_001385908.1 and 3 more transcripts); c.493G>A, p.Ala165Thr (NM_001174121.2, NM_001385915.1); c.433G>A, p.Ala145Thr (NM_001174122.2, NM_001385918.1); c.583G>A, p.Ala195Thr (NM_001385890.1, NM_001385891.1, NM_001385892.1 and 6 more transcripts); c.550G>A, p.Ala184Thr (NM_001385903.1, NM_001385904.1, NM_001385905.1 and 2 more transcripts); c.454G>A, p.Ala152Thr (NM_001385916.1); and 3 more; short protein forms A184T, A276T, A145T, A152T, A195T, A263T, A251T, A52T.
Identifiers: ClinVar variation 1448482 (VCV001448482.8), dbSNP rs2136198619, ClinGen allele CA377997609.

ClinVar aggregate classification (germline): Uncertain significance (1 of 4 stars; one submission).

Conditions:
Spastic paraplegia. Identifiers: MedGen C0037772, HP:0001258.

Allele frequency attached by ClinVar (database versions not stated): gnomAD exomes below 0.00001.

Submission:

Labcorp Genetics (formerly Invitae), Labcorp
Classification: Uncertain significance for Spastic paraplegia. Last evaluated: 2021-05-30. Review status: criteria provided, single submitter. Criteria: Invitae Variant Classification Sherloc (09022015). Collection method: clinical testing. Allele origin: germline.
Comment: In summary, the available evidence is currently insufficient to determine the role of this variant in disease. Therefore, it has been classified as a Variant of Uncertain Significance. Algorithms developed to predict the effect of missense changes on protein structure and function output the following: SIFT: "Tolerated"; PolyPhen-2: "Probably Damaging"; Align-GVGD: "Class C0". The threonine amino acid residue is found in multiple mammalian species, suggesting that this missense change does not adversely affect protein function. These predictions have not been confirmed by published functional studies and their clinical significance is uncertain. This variant has not been reported in the literature in individuals with ZFYVE27-related conditions. This variant is not present in population databases (ExAC no frequency). This sequence change replaces alanine with threonine at codon 263 of the ZFYVE27 protein (p.Ala263Thr). The alanine residue is moderately conserved and there is a small physicochemical difference between alanine and threonine.